The following is an entry in ClinVar:

NM_017763.6(RNF43):c.2248G>C (p.Asp750His)

Gene: RNF43 (ring finger protein 43; minus strand). Cytogenetic location: 17q22.
Variant type: single nucleotide variant.
Coding change: c.2248G>C on transcript NM_017763.6 (MANE Select); coding-DNA position 2248, G replaced by C.
Protein change: p.Asp750His; replaces aspartic acid 750 with histidine.
Molecular consequence: missense variant.
Genome position (GRCh38, 1-based): chr17:58,357,528, C>G on the plus strand (G>C on the coding strand, the complement: RNF43 is on the minus strand). VCF-style: chr17-58357528-C-G. GRCh37 (hg19) VCF-style: chr17-56434889-C-G.
Other names: c.2248G>C (NM_017763.4); c.2248G>C, p.Asp750His (NM_001305544.3); c.1867G>C, p.Asp623His (NM_001305545.2); short protein forms D750H, D623H.
Identifiers: ClinVar variation 1390068 (VCV001390068.11), dbSNP rs777471441, ClinGen allele CA8673051.

ClinVar aggregate classification (germline): Uncertain significance. Review status: criteria provided, multiple submitters, no conflicts (2 of 4 stars). 3 submissions from 3 submitters: Uncertain significance (3). Last evaluated 2025-10-29.

Conditions:
Sessile serrated polyposis cancer syndrome (SSPCS). Identifiers: Orphanet 157798, MedGen C4310714, MONDO:0014919, OMIM 617108.

Allele frequency attached by ClinVar (database versions not stated): ExAC 0.00001.
gnomAD v4.1: 1 of 1,614,238 alleles (0.000062%); highest among the groups gnomAD compares: Non-Finnish European, 0.000085%; no homozygotes.

Submissions (3):

Ambry Genetics
Classification: Uncertain significance. Last evaluated: 2025-10-29. Review status: criteria provided, single submitter. Criteria: Ambry Variant Classification Scheme 2023. Collection method: clinical testing. Allele origin: germline.

Labcorp Genetics (formerly Invitae), Labcorp
Classification: Uncertain significance. Last evaluated: 2024-04-02. Review status: criteria provided, single submitter. Criteria: Invitae Variant Classification Sherloc (09022015). Collection method: clinical testing. Allele origin: germline.
Comment: This sequence change replaces aspartic acid, which is acidic and polar, with histidine, which is basic and polar, at codon 750 of the RNF43 protein (p.Asp750His). This variant is present in population databases (rs777471441, gnomAD 0.0009%). This variant has not been reported in the literature in individuals affected with RNF43-related conditions. ClinVar contains an entry for this variant (Variation ID: 1390068). An algorithm developed to predict the effect of missense changes on protein structure and function (PolyPhen-2) suggests that this variant is likely to be tolerated. In summary, the available evidence is currently insufficient to determine the role of this variant in disease. Therefore, it has been classified as a Variant of Uncertain Significance.

Baylor Genetics
Classification: Uncertain significance for Sessile serrated polyposis cancer syndrome. Last evaluated: 2024-02-29. Review status: criteria provided, single submitter. Criteria: ACMG Guidelines, 2015. Collection method: clinical testing. Allele origin: unknown.